The following is an entry in ClinVar:

ClinVar aggregate classification (germline): Pathogenic (1 of 4 stars; one submission).

Conditions:
Autosomal recessive limb-girdle muscular dystrophy type 2F (LGMDR6). Also called: Muscular dystrophy limb-girdle with delta-sarcoglyan deficiency; MUSCULAR DYSTROPHY, LIMB-GIRDLE, AUTOSOMAL RECESSIVE 6. Identifiers: Orphanet 219, MedGen C1832525, MONDO:0011028, OMIM 601287. Disease mechanism: Affects gamma-sarcoglycan and also disrupts the integrity of the entire sarcoglycan complex..

Submission:

Labcorp Genetics (formerly Invitae), Labcorp
Classification: Pathogenic for Autosomal recessive limb-girdle muscular dystrophy type 2F. Last evaluated: 2026-02-01. Review status: criteria provided, single submitter. Criteria: Invitae Variant Classification Sherloc (09022015). Collection method: clinical testing. Allele origin: germline.
Comment: This sequence change creates a premature translational stop signal (p.Leu164*) in the SGCD gene. It is expected to result in an absent or disrupted protein product. Loss-of-function variants in SGCD are known to be pathogenic (PMID: 8841194, 10735275, 10838250). This variant is not present in population databases (gnomAD no frequency). This variant has not been reported in the literature in individuals affected with SGCD-related conditions. For these reasons, this variant has been classified as Pathogenic.

Literature cited by the submitters: PubMed 8841194; PubMed 10735275; PubMed 10838250.

NM_000337.6(SGCD):c.491T>G (p.Leu164Ter)

Gene: SGCD (sarcoglycan delta; plus strand). Cytogenetic location: 5q33.3.
Variant type: single nucleotide variant.
Coding change: c.491T>G on transcript NM_000337.6 (MANE Select); coding-DNA position 491, T replaced by G.
Protein change: p.Leu164Ter; replaces leucine 164 with a stop codon.
Molecular consequence: nonsense.
Genome position (GRCh38, 1-based): chr5:156,595,040, T>G. VCF-style: chr5-156595040-T-G. GRCh37 (hg19) VCF-style: chr5-156022050-T-G.
Other names: c.488T>G, p.Leu163Ter (NM_001128209.2); c.491T>G, p.Leu164Ter (NM_172244.3); short protein forms L164*, L163*.
Identifiers: ClinVar variation 4740008 (VCV004740008.1).